The following is an entry in ClinVar:

NM_000426.4(LAMA2):c.1669del (p.Gln557fs)

Gene: LAMA2 (laminin subunit alpha 2; plus strand). Cytogenetic location: 6q22.33.
Variant type: Deletion.
Coding change: c.1669del on transcript NM_000426.4 (MANE Select); coding-DNA position 1669, one base deleted (C; older notation c.1669delC).
Protein change: p.Gln557fs; shifts the reading frame from glutamine 557.
Molecular consequence: frameshift variant.
Genome position (GRCh38, 1-based): chr6:129,192,740, C deleted; the last of 4 consecutive C bases (chr6:129,192,737-129,192,740); deleting any one gives the same sequence. VCF-style (leftmost placement, unchanged base first): chr6-129192736-TC-T. GRCh37 (hg19) VCF-style: chr6-129513881-TC-T.
Other names: c.1669del, p.Gln557fs (NM_001079823.2); short protein forms Q557fs.
Identifiers: ClinVar variation 1724425 (VCV001724425.3), dbSNP rs2482776338, ClinGen allele CA2580074913.
Genomic context (GRCh38, chr6:129,192,736, plus strand): 5'-TAAGATACAAGATATGAGTGGCTGGTATCTGACTGACCTTCCTGGCCGCATTCGAGTGGC[TC>T]CCCAGCAGGACGACTTGGACTCACCTCAGCAGATCAGCATCAGTAACGCGGAGGCCCGGC-3'

ClinVar aggregate classification (germline): Likely pathogenic (1 of 4 stars; one submission).

Conditions:
LAMA2-related muscular dystrophy (LAMA2-RD). Also called: Laminin alpha 2-related dystrophy. Identifiers: MedGen C5679788, MONDO:0100228.

Submission:

Myriad Genetics, Inc.
Classification: Likely pathogenic for LAMA2-related muscular dystrophy. Last evaluated: 2022-02-17. Review status: criteria provided, single submitter. Criteria: Myriad Autosomal Dominant, Autosomal Recessive and X-Linked Classification Criteria (2023). Collection method: clinical testing. Allele origin: unknown.
Comment: NM_000426.3(LAMA2):c.1669delC(Q557Sfs*42) is expected to be pathogenic in the context of muscular dystrophy, LAMA2-related. This variant is predicted to lead to an abnormal or absent protein product due to the creation of a premature termination codon in LAMA2, a gene where loss-of-function variants are known to be pathogenic. Please note: this variant was assessed in the context of healthy population screening.